The following is an entry in ClinVar:

ClinVar aggregate classification (germline): Uncertain significance (1 of 4 stars; one submission).

Conditions:
Generalized epilepsy with febrile seizures plus, type 7 (GEFSP7). Also called: GEFS+, TYPE 7. Identifiers: Orphanet 36387, MedGen C2751778, MONDO:0013470, OMIM 613863.
Neuropathy, hereditary sensory and autonomic, type 2A (HSAN2A). Also called: HSAN IIA; ACROOSTEOLYSIS, GIACCAI TYPE; ACROOSTEOLYSIS, NEUROGENIC; MORVAN DISEASE; NEUROPATHY, CONGENITAL SENSORY; NEUROPATHY, HEREDITARY SENSORY RADICULAR, AUTOSOMAL RECESSIVE. Identifiers: Orphanet 970, MedGen C2752089, MONDO:0024309, OMIM 201300.

Allele frequency attached by ClinVar (database versions not stated): gnomAD exomes below 0.00001 and 0.00001; TOPMed below 0.00001; ExAC 0.00001.
gnomAD v4.1: 2 of 1,567,116 alleles (0.00013%); highest among the groups gnomAD compares: Admixed American, 0.0038%; no homozygotes.

Submission:

Labcorp Genetics (formerly Invitae), Labcorp
Classification: Uncertain significance for Neuropathy, hereditary sensory and autonomic, type 2A; Generalized epilepsy with febrile seizures plus, type 7. Last evaluated: 2024-07-12. Review status: criteria provided, single submitter. Criteria: Invitae Variant Classification Sherloc (09022015). Collection method: clinical testing. Allele origin: germline.
Comment: This sequence change replaces lysine, which is basic and polar, with glutamic acid, which is acidic and polar, at codon 992 of the SCN9A protein (p.Lys992Glu). This variant is present in population databases (rs750491990, gnomAD 0.008%). This variant has not been reported in the literature in individuals affected with SCN9A-related conditions. ClinVar contains an entry for this variant (Variation ID: 1054977). Advanced modeling of protein sequence and biophysical properties (such as structural, functional, and spatial information, amino acid conservation, physicochemical variation, residue mobility, and thermodynamic stability) performed at Invitae indicates that this missense variant is not expected to disrupt SCN9A protein function with a negative predictive value of 95%. In summary, the available evidence is currently insufficient to determine the role of this variant in disease. Therefore, it has been classified as a Variant of Uncertain Significance.

NM_001365536.1(SCN9A):c.3007A>G (p.Lys1003Glu)

Genes: SCN1A-AS1 (SCN1A and SCN9A antisense RNA 1; plus strand), SCN9A (sodium voltage-gated channel alpha subunit 9; minus strand). Cytogenetic location: 2q24.3.
Variant type: single nucleotide variant.
Coding change: c.3007A>G on transcript NM_001365536.1 (MANE Select); coding-DNA position 3007, A replaced by G.
Protein change: p.Lys1003Glu; replaces lysine 1003 with glutamic acid.
Molecular consequence: missense variant.
Genome position (GRCh38, 1-based): chr2:166,272,743, T>C on the plus strand (A>G on the coding strand, the complement: SCN9A is on the minus strand). VCF-style: chr2-166272743-T-C. GRCh37 (hg19) VCF-style: chr2-167129253-T-C.
Other names: c.2974A>G, p.Lys992Glu (NM_002977.4); short protein forms K1003E, K992E.
Identifiers: ClinVar variation 1054977 (VCV001054977.9), dbSNP rs750491990, ClinGen allele CA1944157.